The following is an entry in ClinVar:

ClinVar aggregate classification (germline): Conflicting classifications of pathogenicity. Review status: criteria provided, conflicting classifications (1 of 4 stars). 3 submissions from 3 submitters: Uncertain significance (2); Likely benign (1). Last evaluated 2024-04-08.

Conditions:
Koolen-de Vries syndrome (KDVS). Identifiers: Orphanet 96169, MedGen C1864871, MONDO:0012496, OMIM 610443.

Allele frequency attached by ClinVar (database versions not stated): gnomAD 0.00001; gnomAD exomes 0.00001; TOPMed 0.00001; ExAC 0.00002.

Submissions (3):

Fulgent Genetics
Classification: Uncertain significance for Koolen-de Vries syndrome. Last evaluated: 2024-04-08. Review status: criteria provided, single submitter. Criteria: ACMG Guidelines, 2015. Collection method: clinical testing. Allele origin: germline.

Labcorp Genetics (formerly Invitae), Labcorp
Classification: Likely benign for Koolen-de Vries syndrome. Last evaluated: 2021-08-10. Review status: criteria provided, single submitter. Criteria: Invitae Variant Classification Sherloc (09022015). Collection method: clinical testing. Allele origin: germline.

GeneDx
Classification: Uncertain significance. Last evaluated: 2014-03-17. Review status: criteria provided, single submitter. Criteria: GeneDx Variant Classification (06012015). Collection method: clinical testing. Allele origin: germline. Affected: yes.
Comment: This variant is denoted p.Ala7Thr (GCT>ACT): c.19 G>A in exon 2 of the KANSL1 gene (NM_001193466.1). The A7T variant has not been published as a mutation, nor has it been reported as a benign polymorphism to our knowledge. It was not observed in approximately 6,500 individuals of European and African American ancestry in the NHLBI Exome Sequencing Project, indicating it is not a common benign variant in these populations. The A7T variant is a non-conservative amino acid substitution, which is likely to impact secondary protein structure as these residues differ in polarity, charge, size and/or other properties. This substitution occurs at a position that is conserved across species. In silico analysis predicts this variant is probably damaging to the protein structure/function; however missense mutations associated with KANSL1-related disorders have not been reported in this region of the protein. Therefore, based on the currently available information, it is unclear whether this variant is a pathogenic mutation or a rare benign variant. The variant is found in INFANT-EPI panel(s).

NM_015443.4(KANSL1):c.19G>A (p.Ala7Thr)

Gene: KANSL1 (KAT8 regulatory NSL complex subunit 1). Cytogenetic location: 17q21.31.
Variant type: single nucleotide variant.
Coding change: c.19G>A on transcript NM_015443.4 (MANE Select); coding-DNA position 19, G replaced by A.
Protein change: p.Ala7Thr; replaces alanine 7 with threonine.
Molecular consequence: missense variant.
Genome position (GRCh38, 1-based): chr17:46,172,125, C>T on the plus strand (G>A on the coding strand, the complement: KANSL1 is on the minus strand). VCF-style: chr17-46172125-C-T. GRCh37 (hg19) VCF-style: chr17-44249491-C-T.
Other names: p.A7T:GCT>ACT; c.19G>A, p.Ala7Thr (NM_001193465.2, NM_001193466.2, NM_001379198.1); short protein forms A7T.
Identifiers: ClinVar variation 205802 (VCV000205802.14), dbSNP rs768152581, ClinGen allele CA315231.